The following is an entry in ClinVar:

NC_000011.9:g.(?_32438026)_(32438096_?)del

Gene: WT1 (WT1 transcription factor; minus strand). Cytogenetic location: 11p13.
Variant type: Deletion.
Identifiers: ClinVar variation 3244685 (VCV003244685.1).

ClinVar aggregate classification (germline): Uncertain significance (1 of 4 stars; one submission).

Conditions:
Wilms tumor 1 (WT1). Also called: Wilms tumor, somatic. Identifiers: Orphanet 654, MedGen CN033288, MONDO:0008679, OMIM 194070.
11p partial monosomy syndrome (WAGR). Also called: CHROMOSOME 11p13 DELETION SYNDROME; WAGR syndrome; WAGR Complex; WAGR Spectrum Disorder. Identifiers: Orphanet 893, MedGen C0206115, MONDO:0008681, OMIM 194072.
Drash syndrome (DDS). Also called: NEPHROPATHY, WILMS TUMOR, AND GENITAL ANOMALIES; WILMS TUMOR AND PSEUDO- OR TRUE HERMAPHRODITISM. Identifiers: Orphanet 220, MedGen C0950121, MONDO:0008682, OMIM 194080.
Frasier syndrome. Identifiers: Orphanet 347, MedGen C0950122, MeSH D052159, MONDO:0007635, OMIM 136680.

Submission:

Labcorp Genetics (formerly Invitae), Labcorp
Classification: Uncertain significance for Wilms tumor 1; Drash syndrome; 11p partial monosomy syndrome; Frasier syndrome. Last evaluated: 2023-06-29. Review status: criteria provided, single submitter. Criteria: Invitae Variant Classification Sherloc (09022015). Collection method: clinical testing. Allele origin: unknown.
Comment: In summary, the available evidence is currently insufficient to determine the role of this variant in disease. Therefore, it has been classified as a Variant of Uncertain Significance. Experimental studies and prediction algorithms are not available or were not evaluated, and the functional significance of this variant is currently unknown. This variant has not been reported in the literature in individuals affected with WT1-related conditions. This variant is a gross deletion of the genomic region encompassing exon(s) 5 of the WT1 gene. This variant would be expected to be in-frame, preserving the integrity of the reading frame.